The following is an entry in ClinVar:

ClinVar aggregate classification (germline): Likely benign (1 of 4 stars; one submission).

gnomAD v4.1: 57 of 1,606,584 alleles (0.0035%); highest among the groups gnomAD compares: East Asian, 0.13%; no homozygotes.

Submission:

CeGaT Center for Human Genetics Tuebingen
Classification: Likely benign. Last evaluated: 2025-01-01. Review status: criteria provided, single submitter. Criteria: CeGaT Center For Human Genetics Tuebingen Variant Classification Criteria Version 2. Collection method: clinical testing. Allele origin: germline. Affected: yes. Observed: 1 variant allele.
Comment: CNOT3: BP4, BP7, BS1

NM_014516.4(CNOT3):c.1974C>T (p.Asp658=)

Gene: CNOT3 (CCR4-NOT transcription complex subunit 3; plus strand). Cytogenetic location: 19q13.42.
Variant type: single nucleotide variant.
Coding change: c.1974C>T on transcript NM_014516.4 (MANE Select); coding-DNA position 1974, C replaced by T.
Protein change: p.Asp658=; no amino-acid change (aspartic acid 658 retained).
Molecular consequence: synonymous variant.
Genome position (GRCh38, 1-based): chr19:54,152,936, C>T. VCF-style: chr19-54152936-C-T. GRCh37 (hg19) VCF-style: chr19-54656673-C-T.
Identifiers: ClinVar variation 3772334 (VCV003772334.13).